The following is an entry in ClinVar:

NM_003801.4(GPAA1):c.248A>G (p.Lys83Arg)

Gene: GPAA1 (glycosylphosphatidylinositol anchor attachment 1; plus strand). Cytogenetic location: 8q24.3.
Variant type: single nucleotide variant.
Coding change: c.248A>G on transcript NM_003801.4 (MANE Select); coding-DNA position 248, A replaced by G.
Protein change: p.Lys83Arg; replaces lysine 83 with arginine.
Molecular consequence: missense variant.
Genome position (GRCh38, 1-based): chr8:144,083,297, A>G. VCF-style: chr8-144083297-A-G. GRCh37 (hg19) VCF-style: chr8-145138200-A-G.
Other names: short protein forms K83R.
Identifiers: ClinVar variation 1997519 (VCV001997519.4), dbSNP rs2537314209, ClinGen allele CA372597728.

ClinVar aggregate classification (germline): Uncertain significance (1 of 4 stars; one submission).

Submission:

Labcorp Genetics (formerly Invitae), Labcorp
Classification: Uncertain significance. Last evaluated: 2022-05-21. Review status: criteria provided, single submitter. Criteria: Invitae Variant Classification Sherloc (09022015). Collection method: clinical testing. Allele origin: germline.
Comment: In summary, the available evidence is currently insufficient to determine the role of this variant in disease. Therefore, it has been classified as a Variant of Uncertain Significance. Algorithms developed to predict the effect of sequence changes on RNA splicing suggest that this variant may create or strengthen a splice site. Algorithms developed to predict the effect of missense changes on protein structure and function (SIFT, PolyPhen-2, Align-GVGD) all suggest that this variant is likely to be tolerated. This variant has not been reported in the literature in individuals affected with GPAA1-related conditions. This variant is not present in population databases (gnomAD no frequency). This sequence change replaces lysine, which is basic and polar, with arginine, which is basic and polar, at codon 83 of the GPAA1 protein (p.Lys83Arg).